The following is an entry in ClinVar:

ClinVar aggregate classification (germline): Uncertain significance (1 of 4 stars; one submission).

Conditions:
Brody myopathy. Also called: BRODY DISEASE. Identifiers: Orphanet 53347, MedGen C1832918, MONDO:0010977, OMIM 601003.

Allele frequency attached by ClinVar (database versions not stated): gnomAD 0.00002 and 0.00004; TOPMed 0.00002; ESP Exome Variant Server 0.00008; ExAC 0.00016; gnomAD exomes 0.00016; 1000 Genomes Project 30x 0.00031; 1000 Genomes Project 0.00040.
gnomAD v4.1: 111 of 1,614,158 alleles (0.0069%); highest among the groups gnomAD compares: South Asian, 0.086%; 1 homozygote.

Submission:

Labcorp Genetics (formerly Invitae), Labcorp
Classification: Uncertain significance for Brody myopathy. Last evaluated: 2024-02-17. Review status: criteria provided, single submitter. Criteria: Invitae Variant Classification Sherloc (09022015). Collection method: clinical testing. Allele origin: germline.
Comment: This sequence change replaces arginine, which is basic and polar, with histidine, which is basic and polar, at codon 290 of the ATP2A1 protein (p.Arg290His). This variant is present in population databases (rs368208565, gnomAD 0.1%), including at least one homozygous and/or hemizygous individual. This variant has not been reported in the literature in individuals affected with ATP2A1-related conditions. ClinVar contains an entry for this variant (Variation ID: 650639). An algorithm developed to predict the effect of missense changes on protein structure and function (PolyPhen-2) suggests that this variant is likely to be disruptive. In summary, the available evidence is currently insufficient to determine the role of this variant in disease. Therefore, it has been classified as a Variant of Uncertain Significance.

NM_004320.6(ATP2A1):c.869G>A (p.Arg290His)

Gene: ATP2A1 (ATPase sarcoplasmic/endoplasmic reticulum Ca2+ transporting 1; plus strand). Cytogenetic location: 16p11.2.
Variant type: single nucleotide variant.
Coding change: c.869G>A on transcript NM_004320.6 (MANE Select); coding-DNA position 869, G replaced by A.
Protein change: p.Arg290His; replaces arginine 290 with histidine.
Molecular consequence: missense variant.
Genome position (GRCh38, 1-based): chr16:28,887,663, G>A. VCF-style: chr16-28887663-G-A. GRCh37 (hg19) VCF-style: chr16-28898984-G-A.
Other names: c.494G>A, p.Arg165His (NM_001286075.2); c.869G>A, p.Arg290His (NM_173201.5); short protein forms R290H, R165H.
Identifiers: ClinVar variation 650639 (VCV000650639.10), dbSNP rs368208565, ClinGen allele CA7986778.